The following is an entry in ClinVar:

NC_000009.11:g.(?_138683633)_(139440248_?)dup

Genes: CARD9 (caspase recruitment domain family member 9; minus strand), DNLZ (DNL-type zinc finger; minus strand), ENTR1 (endosome associated trafficking regulator 1; minus strand), GPSM1 (G protein signaling modulator 1; plus strand), INPP5E (inositol polyphosphate-5-phosphatase E; minus strand) and 12 more. Cytogenetic location: 9q34.3.
Variant type: Duplication.
Identifiers: ClinVar variation 655240 (VCV000655240.1).

ClinVar aggregate classification (germline): Uncertain significance (1 of 4 stars; one submission).

Conditions:
Adams-Oliver syndrome 5 (AOS5). Identifiers: Orphanet 974, MedGen C4014970, MONDO:0014459, OMIM 616028.

Submission:

Labcorp Genetics (formerly Invitae), Labcorp
Classification: Uncertain significance for Adams-Oliver syndrome 5. Last evaluated: 2018-10-17. Review status: criteria provided, single submitter. Criteria: Invitae Variant Classification Sherloc (09022015). Collection method: clinical testing. Allele origin: germline.
Comment: This variant results in a copy number gain of the genomic region encompassing the full coding sequence of the NOTCH1 gene. The boundaries of this event are unknown as they extend beyond the assayed region for this gene and therefore may encompass additional genes. As the precise location of this event is unknown, it may be in tandem or it may be located elsewhere in the genome. This variant has not been reported in the literature in individuals with NOTCH1-related disease. In summary, the available evidence is currently insufficient to determine the role of this variant in disease. Therefore, it has been classified as a Variant of Uncertain Significance.